The following is an entry in ClinVar:

ClinVar aggregate classification (germline): Uncertain significance. Review status: criteria provided, multiple submitters, no conflicts (2 of 4 stars). 2 submissions from 2 submitters: Uncertain significance (2). Last evaluated 2025-12-19.

Conditions:
Hypertrophic cardiomyopathy. Also called: HYPERTROPHIC MYOCARDIOPATHY. Identifiers: Orphanet 217569, MedGen C0007194, MeSH D002312, MONDO:0005045, HP:0001639.

Allele frequency attached by ClinVar (database versions not stated): gnomAD exomes below 0.00001; TOPMed below 0.00001; ExAC 0.00001.
gnomAD v4.1: 6 of 1,611,270 alleles (0.00037%); highest among the groups gnomAD compares: Non-Finnish European, 0.00051%; no homozygotes.

Submissions (2):

Labcorp Genetics (formerly Invitae), Labcorp
Classification: Uncertain significance for Hypertrophic cardiomyopathy. Last evaluated: 2025-12-19. Review status: criteria provided, single submitter. Criteria: Invitae Variant Classification Sherloc (09022015). Collection method: clinical testing. Allele origin: germline.
Comment: This sequence change replaces tyrosine, which is neutral and polar, with histidine, which is basic and polar, at codon 1099 of the MYOM1 protein (p.Tyr1099His). This variant is not present in population databases (gnomAD no frequency). This variant has not been reported in the literature in individuals affected with MYOM1-related conditions. ClinVar contains an entry for this variant (Variation ID: 2175398). Invitae Evidence Modeling of protein sequence and biophysical properties (such as structural, functional, and spatial information, amino acid conservation, physicochemical variation, residue mobility, and thermodynamic stability) indicates that this missense variant is not expected to disrupt MYOM1 protein function with a negative predictive value of 80%. In summary, the available evidence is currently insufficient to determine the role of this variant in disease. Therefore, it has been classified as a Variant of Uncertain Significance.

Ambry Genetics
Classification: Uncertain significance. Last evaluated: 2024-03-13. Review status: criteria provided, single submitter. Criteria: Ambry Variant Classification Scheme 2023. Collection method: clinical testing. Allele origin: germline.
Comment: The p.Y1099H variant (also known as c.3295T>C), located in coding exon 20 of the MYOM1 gene, results from a T to C substitution at nucleotide position 3295. The tyrosine at codon 1099 is replaced by histidine, an amino acid with similar properties. This amino acid position is conserved. In addition, this alteration is predicted to be tolerated by in silico analysis. Based on the available evidence, the clinical significance of this alteration remains unclear.

NM_003803.4(MYOM1):c.3295T>C (p.Tyr1099His)

Gene: MYOM1 (myomesin 1; minus strand). Cytogenetic location: 18p11.31.
Variant type: single nucleotide variant.
Coding change: c.3295T>C on transcript NM_003803.4 (MANE Select); coding-DNA position 3295, T replaced by C.
Protein change: p.Tyr1099His; replaces tyrosine 1099 with histidine.
Molecular consequence: missense variant.
Genome position (GRCh38, 1-based): chr18:3,116,339, A>G on the plus strand (T>C on the coding strand, the complement: MYOM1 is on the minus strand). VCF-style: chr18-3116339-A-G. GRCh37 (hg19) VCF-style: chr18-3116337-A-G.
Other names: c.3007T>C, p.Tyr1003His (NM_019856.2); short protein forms Y1099H, Y1003H.
Identifiers: ClinVar variation 2175398 (VCV002175398.5), dbSNP rs763022317, ClinGen allele CA8874361.
Genomic context (GRCh38, chr18:3,116,339, plus strand): 5'-GTATTAGTAGAGCAGTTAGTAGAGGAAGCTCTAGAACTGAGCAGCCTCTTACCTTCAGGT[A>G]TACGTTTTTAATAGCCGCCTCATTGAGCCCTCGCCACTGGTCTTCTTTGGCCTTGGCCTC-3'
Protein context (NP_003794.3, residues 1089-1109): GLNEAAIKNV[Tyr1099His]LKVRGLKEGV